The following is an entry in ClinVar:

ClinVar aggregate classification (germline): Uncertain significance (1 of 4 stars; one submission).

Submission:

Labcorp Genetics (formerly Invitae), Labcorp
Classification: Uncertain significance. Last evaluated: 2023-11-27. Review status: criteria provided, single submitter. Criteria: Invitae Variant Classification Sherloc (09022015). Collection method: clinical testing. Allele origin: germline.
Comment: This sequence change replaces threonine, which is neutral and polar, with asparagine, which is neutral and polar, at codon 244 of the NUP62 protein (p.Thr244Asn). This variant is not present in population databases (gnomAD no frequency). This variant has not been reported in the literature in individuals affected with NUP62-related conditions. ClinVar contains an entry for this variant (Variation ID: 2097929). An algorithm developed to predict the effect of missense changes on protein structure and function (PolyPhen-2) suggests that this variant is likely to be disruptive. In summary, the available evidence is currently insufficient to determine the role of this variant in disease. Therefore, it has been classified as a Variant of Uncertain Significance.

NM_016553.5(NUP62):c.731C>A (p.Thr244Asn)

Genes: NUP62 (nucleoporin 62; minus strand), IL4I1 (interleukin 4 induced 1; minus strand). Cytogenetic location: 19q13.33.
Variant type: single nucleotide variant.
Coding change: c.731C>A on transcript NM_016553.5 (MANE Select); coding-DNA position 731, C replaced by A.
Protein change: p.Thr244Asn; replaces threonine 244 with asparagine.
Molecular consequence: missense variant. On other transcripts: intron variant (3).
Genome position (GRCh38, 1-based): chr19:49,909,077, G>T on the plus strand (C>A on the coding strand, the complement: NUP62 is on the minus strand). VCF-style: chr19-49909077-G-T. GRCh37 (hg19) VCF-style: chr19-50412334-G-T.
Other names: c.731C>A, p.Thr244Asn (NM_001193357.2, NM_012346.5, NM_153718.4 and 1 more transcripts); c.-227-4756C>A (NM_001258017.2, NM_172374.3); c.-285-4756C>A (NM_001258018.2); short protein forms T244N.
Identifiers: ClinVar variation 2097929 (VCV002097929.4), dbSNP rs1002982164, ClinGen allele CA309554552.